The following is an entry in ClinVar:

NM_002335.4(LRP5):c.283A>T (p.Thr95Ser)

Gene: LRP5 (LDL receptor related protein 5; plus strand). Cytogenetic location: 11q13.2.
Variant type: single nucleotide variant.
Coding change: c.283A>T on transcript NM_002335.4 (MANE Select); coding-DNA position 283, A replaced by T.
Protein change: p.Thr95Ser; replaces threonine 95 with serine.
Molecular consequence: missense variant. On other transcripts: 5 prime UTR variant (1).
Genome position (GRCh38, 1-based): chr11:68,348,038, A>T. VCF-style: chr11-68348038-A-T. GRCh37 (hg19) VCF-style: chr11-68115506-A-T.
Other names: c.-1483A>T (NM_001291902.2); short protein forms T95S.
Identifiers: ClinVar variation 4810260 (VCV004810260.1).

ClinVar aggregate classification (germline): Uncertain significance (1 of 4 stars; one submission).

gnomAD v4.1: 1 of 1,614,084 alleles (0.000062%); highest among the groups gnomAD compares: East Asian, 0.0022%; no homozygotes.

Submission:

Labcorp Genetics (formerly Invitae), Labcorp
Classification: Uncertain significance. Last evaluated: 2025-04-04. Review status: criteria provided, single submitter. Criteria: Invitae Variant Classification Sherloc (09022015). Collection method: clinical testing. Allele origin: germline.
Comment: This sequence change replaces threonine, which is neutral and polar, with serine, which is neutral and polar, at codon 95 of the LRP5 protein (p.Thr95Ser). This variant is present in population databases (no rsID available, gnomAD 0.006%). This variant has not been reported in the literature in individuals affected with LRP5-related conditions. Invitae Evidence Modeling of protein sequence and biophysical properties (such as structural, functional, and spatial information, amino acid conservation, physicochemical variation, residue mobility, and thermodynamic stability) indicates that this missense variant is not expected to disrupt LRP5 protein function with a negative predictive value of 95%. In summary, the available evidence is currently insufficient to determine the role of this variant in disease. Therefore, it has been classified as a Variant of Uncertain Significance.